The following is an entry in ClinVar:

ClinVar aggregate classification (germline): Uncertain significance (1 of 4 stars; one submission).

Conditions:
Symphalangism, proximal, 1B (SYM1B). Identifiers: Orphanet 3250, MedGen C3809104, MONDO:0014125, OMIM 615298.

Submission:

OLLIN Analises Genomicas, OLLIN
Classification: Uncertain significance for Symphalangism, proximal, 1B. Last evaluated: 2026-08-06. Review status: criteria provided, single submitter. Criteria: ACMG Guidelines 2015 PMID 25741868. Collection method: clinical testing. Allele origin: germline. Inheritance: Autosomal recessive inheritance.
Comment: This frameshift variant, located in exon 2 (of 2), is absent from gnomAD and ClinVar and has not been identified in the literature. This variant causes a frameshift and introduces a premature stop codon, which is predicted to result in either a truncated protein or degradation of the mRNA via nonsense-mediated decay (NMD). According to the currently available evidence, this variant has been classified as uncertain significance (PVS1_S, PM2_P).

NM_000557.5(GDF5):c.1427del (p.Ile476fs)

Genes: GDF5 (growth differentiation factor 5; minus strand), GDF5-AS1 (GDF5 antisense RNA 1; plus strand). Cytogenetic location: 20q11.22.
Variant type: Deletion.
Coding change: c.1427del on transcript NM_000557.5 (MANE Select); coding-DNA position 1427, one base deleted (T; older notation c.1427delT).
Protein change: p.Ile476fs; shifts the reading frame from isoleucine 476.
Molecular consequence: frameshift variant. On other transcripts: non-coding transcript variant (1).
Genome position (GRCh38, 1-based): chr20:35,433,988, A deleted on the plus strand (T on the coding strand, the reverse complement: GDF5 is on the minus strand). VCF-style (leftmost placement, unchanged base first): chr20-35433987-GA-G. GRCh37 (hg19) VCF-style: chr20-34021785-GA-G.
Other names: c.1427del, p.Ile476fs (NM_001319138.2); short protein forms I476fs.
Identifiers: ClinVar variation 5003155 (VCV005003155.1).
Genomic context (GRCh38, chr20:35,433,987, plus strand): 5'-CTCCACGACCATGTCCTCATACTGCTTATACACCACGTTGTTGGCAGAGTCAATGAAGAG[GA>G]TGCTGATGGGACTCAGCCGCGTGGGCACACAGCAGGTGGGTGGTGTGGACTCGGGGTCCA-3'